The following is an entry in ClinVar:

NM_001202.6(BMP4):c.245_248dup (p.Met83fs)

Gene: BMP4 (bone morphogenetic protein 4; minus strand). Cytogenetic location: 14q22.2.
Variant type: Duplication.
Coding change: c.245_248dup on transcript NM_001202.6 (MANE Select); coding-DNA positions 245 to 248, 4 bases duplicated (ACAT; older notation c.245_248dupACAT).
Protein change: p.Met83fs; shifts the reading frame from methionine 83.
Molecular consequence: frameshift variant.
Genome position (GRCh38, 1-based): chr14:53,951,975-53,951,978, ATGT duplicated on the plus strand (ACAT on the coding strand, the reverse complement: BMP4 is on the minus strand); duplicating any 4 consecutive bases within chr14:53,951,975-53,951,979 gives the same sequence; the c. name uses the placement nearest the transcript's 3' end. VCF-style (leftmost placement, unchanged base first): chr14-53951974-C-CATGT. GRCh37 (hg19) VCF-style: chr14-54418692-C-CATGT.
Other names: c.386_389dup, p.Met130fs (NM_001347912.1); c.56_59dup, p.Met20fs (NM_001347913.2, NM_001347915.2, NM_001347917.1); c.245_248dup, p.Met83fs (NM_001347914.2, NM_001347916.1, NM_130850.5 and 1 more transcripts); short protein forms M130fs, M20fs, M83fs.
Identifiers: ClinVar variation 3899694 (VCV003899694.1).
Genomic context (GRCh38, chr14:53,951,974, plus strand): 5'-ACCAGTGCTGTGGATCTGCTCTTCCTCCTCCTCCCCAGACTGAAGCCGGTAAAGATCCCG[C>CATGT]ATGTAGTCCGGAATGACGGCACTCTTGCTAGGCTGCGGGCGGCGGCGCAGCCCAAACATC-3'

ClinVar aggregate classification (germline): Likely pathogenic (1 of 4 stars; one submission).

Submission:

GeneDx
Classification: Likely pathogenic. Last evaluated: 2024-11-13. Review status: criteria provided, single submitter. Criteria: GeneDx Variant Classification Process June 2021. Collection method: clinical testing. Allele origin: germline. Affected: yes.
Comment: Frameshift variant predicted to result in abnormal protein length as the last 326 amino acids are replaced with 23 different amino acids, and other similar variants have been reported; Not observed at significant frequency in large population cohorts (gnomAD); Has not been previously published as pathogenic or benign to our knowledge